The following is an entry in ClinVar:

NM_001844.5(COL2A1):c.4226A>G (p.Lys1409Arg)

Gene: COL2A1 (collagen type II alpha 1 chain; minus strand). Cytogenetic location: 12q13.11.
Variant type: single nucleotide variant.
Coding change: c.4226A>G on transcript NM_001844.5 (MANE Select); coding-DNA position 4226, A replaced by G.
Protein change: p.Lys1409Arg; replaces lysine 1409 with arginine.
Molecular consequence: missense variant.
Genome position (GRCh38, 1-based): chr12:47,974,180, T>C on the plus strand (A>G on the coding strand, the complement: COL2A1 is on the minus strand). VCF-style: chr12-47974180-T-C. GRCh37 (hg19) VCF-style: chr12-48367963-T-C.
Other names: c.4019A>G, p.Lys1340Arg (NM_033150.3); short protein forms K1340R, K1409R.
Identifiers: ClinVar variation 4805713 (VCV004805713.1).

ClinVar aggregate classification (germline): Uncertain significance (1 of 4 stars; one submission).

Submission:

Labcorp Genetics (formerly Invitae), Labcorp
Classification: Uncertain significance. Last evaluated: 2025-12-21. Review status: criteria provided, single submitter. Criteria: Invitae Variant Classification Sherloc (09022015). Collection method: clinical testing. Allele origin: germline.
Comment: This sequence change replaces lysine, which is basic and polar, with arginine, which is basic and polar, at codon 1409 of the COL2A1 protein (p.Lys1409Arg). This variant is not present in population databases (gnomAD no frequency). This variant has not been reported in the literature in individuals affected with COL2A1-related conditions. Invitae Evidence Modeling of protein sequence and biophysical properties (such as structural, functional, and spatial information, amino acid conservation, physicochemical variation, residue mobility, and thermodynamic stability) indicates that this missense variant is not expected to disrupt COL2A1 protein function with a negative predictive value of 95%. In summary, the available evidence is currently insufficient to determine the role of this variant in disease. Therefore, it has been classified as a Variant of Uncertain Significance.